The following is an entry in ClinVar:

ClinVar aggregate classification (germline): Uncertain significance (1 of 4 stars; one submission).

Allele frequency attached by ClinVar (database versions not stated): gnomAD exomes below 0.00001.
gnomAD v4.1: 1 of 1,613,670 alleles (0.000062%); highest among the groups gnomAD compares: Admixed American, 0.0017%; no homozygotes.

Submission:

Labcorp Genetics (formerly Invitae), Labcorp
Classification: Uncertain significance. Last evaluated: 2021-03-01. Review status: criteria provided, single submitter. Criteria: Invitae Variant Classification Sherloc (09022015). Collection method: clinical testing. Allele origin: germline.
Comment: This variant has not been reported in the literature in individuals with LAMC3-related conditions. This variant is not present in population databases (ExAC no frequency). This sequence change replaces alanine with valine at codon 1159 of the LAMC3 protein (p.Ala1159Val). The alanine residue is moderately conserved and there is a small physicochemical difference between alanine and valine. Algorithms developed to predict the effect of missense changes on protein structure and function are either unavailable or do not agree on the potential impact of this missense change (SIFT: "Deleterious"; PolyPhen-2: "Benign"; Align-GVGD: "Class C0"). Algorithms developed to predict the effect of sequence changes on RNA splicing suggest that this variant may create or strengthen a splice site, but this prediction has not been confirmed by published transcriptional studies. In summary, the available evidence is currently insufficient to determine the role of this variant in disease. Therefore, it has been classified as a Variant of Uncertain Significance.

NM_006059.4(LAMC3):c.3476C>T (p.Ala1159Val)

Gene: LAMC3 (laminin subunit gamma 3; plus strand). Cytogenetic location: 9q34.12.
Variant type: single nucleotide variant.
Coding change: c.3476C>T on transcript NM_006059.4 (MANE Select); coding-DNA position 3476, C replaced by T.
Protein change: p.Ala1159Val; replaces alanine 1159 with valine.
Molecular consequence: missense variant.
Genome position (GRCh38, 1-based): chr9:131,073,303, C>T. VCF-style: chr9-131073303-C-T. GRCh37 (hg19) VCF-style: chr9-133948690-C-T.
Other names: short protein forms A1159V.
Identifiers: ClinVar variation 1354833 (VCV001354833.8), dbSNP rs2133327283, ClinGen allele CA375259902.